The following is an entry in ClinVar:

NM_004318.4(ASPH):c.647A>G (p.Glu216Gly)

Gene: ASPH (aspartate beta-hydroxylase; minus strand). Cytogenetic location: 8q12.3.
Variant type: single nucleotide variant.
Coding change: c.647A>G on transcript NM_004318.4 (MANE Select); coding-DNA position 647, A replaced by G.
Protein change: p.Glu216Gly; replaces glutamic acid 216 with glycine.
Molecular consequence: missense variant.
Genome position (GRCh38, 1-based): chr8:61,644,605, T>C on the plus strand (A>G on the coding strand, the complement: ASPH is on the minus strand). VCF-style: chr8-61644605-T-C. GRCh37 (hg19) VCF-style: chr8-62557164-T-C.
Other names: c.560A>G, p.Glu187Gly (NM_001164750.2); c.605A>G, p.Glu202Gly (NM_001164751.2, NM_001164752.2, NM_032468.5); c.476A>G, p.Glu159Gly (NM_001164753.2); c.647A>G, p.Glu216Gly (NM_001164754.2, NM_032466.4); c.518A>G, p.Glu173Gly (NM_001164755.2); c.647A>G (NM_004318.3); short protein forms E159G, E173G, E187G, E202G, E216G.
Identifiers: ClinVar variation 1672301 (VCV001672301.16), dbSNP rs117730298, ClinGen allele CA4762144.

ClinVar aggregate classification (germline): Benign. Review status: criteria provided, multiple submitters, no conflicts (2 of 4 stars). 4 submissions from 4 submitters: Benign (3). 1 of the submissions does not count toward it. Last evaluated 2026-01-06.

Conditions:
ASPH-related disorder. Also called: ASPH-related condition.

Allele frequency attached by ClinVar (database versions not stated): 1000 Genomes Project 0.00300; 1000 Genomes Project 30x 0.00328; gnomAD exomes 0.00791 and 0.01214; gnomAD 0.00809 and 0.00850; ExAC 0.00812; TOPMed 0.00822; ESP Exome Variant Server 0.01240.
gnomAD v4.1: 18,530 of 1,583,828 alleles (1.2%); highest among the groups gnomAD compares: Non-Finnish European, 1.4%; 133 homozygotes.

Submissions (4):

Labcorp Genetics (formerly Invitae), Labcorp
Classification: Benign. Last evaluated: 2026-01-06. Review status: criteria provided, single submitter. Criteria: Invitae Variant Classification Sherloc (09022015). Collection method: clinical testing. Allele origin: germline.

CeGaT Center for Human Genetics Tuebingen
Classification: Benign. Last evaluated: 2025-12-01. Review status: criteria provided, single submitter. Criteria: CeGaT Center For Human Genetics Tuebingen Variant Classification Criteria Version 2. Collection method: clinical testing. Allele origin: germline. Affected: yes. Observed: 2 variant alleles.
Comment: ASPH: BP4, BS1, BS2

Breakthrough Genomics
Classification: Benign. Review status: criteria provided, single submitter. Criteria: ACMG Guidelines, 2015. Collection method: not provided. Allele origin: germline. Inheritance: Autosomal recessive inheritance. Affected: yes.

PreventionGenetics, part of Exact Sciences
Classification: Benign for ASPH-related condition. Last evaluated: 2019-09-23. Review status: no assertion criteria provided. Collection method: clinical testing. Allele origin: germline. Not counted in ClinVar's aggregate classification.
Comment: This variant is classified as benign based on ACMG/AMP sequence variant interpretation guidelines (Richards et al. 2015 PMID: 25741868, with internal and published modifications).